The following is an entry in ClinVar:

NM_000026.4(ADSL):c.1121G>A (p.Arg374Gln)

Gene: ADSL (adenylosuccinate lyase; plus strand). Cytogenetic location: 22q13.1.
Variant type: single nucleotide variant.
Coding change: c.1121G>A on transcript NM_000026.4 (MANE Select); coding-DNA position 1121, G replaced by A.
Protein change: p.Arg374Gln; replaces arginine 374 with glutamine.
Molecular consequence: missense variant. On other transcripts: non-coding transcript variant (1).
Genome position (GRCh38, 1-based): chr22:40,364,295, G>A. VCF-style: chr22-40364295-G-A. GRCh37 (hg19) VCF-style: chr22-40760299-G-A.
Other names: c.1121G>A, p.Arg374Gln (NM_001123378.3, NM_001363840.3); c.929G>A, p.Arg310Gln (NM_001317923.2); short protein forms R374Q, R310Q.
Identifiers: ClinVar variation 423931 (VCV000423931.6), dbSNP rs568567422, ClinGen allele CA10247930.
Genomic context (GRCh38, chr22:40,364,295, plus strand): 5'-GAGGCACCTTTCTTGGTCATTCACCGTATCTTTTCCTATAGGTAATTGAACGGCGCATTC[G>A]GCAAGAGCTGCCTTTCATGGCCACAGAGAACATCATCATGGCCATGGTCAAAGCTGGAGG-3'
Protein context (NP_000017.1, residues 364-384): VYPKVIERRI[Arg374Gln]QELPFMATEN

ClinVar aggregate classification (germline): Uncertain significance. Review status: criteria provided, multiple submitters, no conflicts (2 of 4 stars). 3 submissions from 3 submitters: Uncertain significance (3). Last evaluated 2024-10-02.

Conditions:
Adenylosuccinate lyase deficiency (ADSLD). Also called: ADSL DEFICIENCY. Identifiers: Orphanet 46, MedGen C0268126, MONDO:0007068, OMIM 103050.

Allele frequency attached by ClinVar (database versions not stated): gnomAD exomes 0.00001 and 0.00002; ExAC 0.00003; gnomAD 0.00004; TOPMed 0.00005; 1000 Genomes Project 0.00020; 1000 Genomes Project 30x 0.00031.

Submissions (3):

Blueprint Genetics
Classification: Uncertain significance. Last evaluated: 2024-10-02. Review status: criteria provided, single submitter. Criteria: ACMG Guidelines, 2015. Collection method: clinical testing. Allele origin: germline.

Labcorp Genetics (formerly Invitae), Labcorp
Classification: Uncertain significance for Adenylosuccinate lyase deficiency. Last evaluated: 2022-08-20. Review status: criteria provided, single submitter. Criteria: Invitae Variant Classification Sherloc (09022015). Collection method: clinical testing. Allele origin: germline.
Comment: This sequence change replaces arginine, which is basic and polar, with glutamine, which is neutral and polar, at codon 374 of the ADSL protein (p.Arg374Gln). This variant is present in population databases (rs568567422, gnomAD 0.02%). This variant has not been reported in the literature in individuals affected with ADSL-related conditions. ClinVar contains an entry for this variant (Variation ID: 423931). Advanced modeling of protein sequence and biophysical properties (such as structural, functional, and spatial information, amino acid conservation, physicochemical variation, residue mobility, and thermodynamic stability) performed at Invitae indicates that this missense variant is not expected to disrupt ADSL protein function. This variant disrupts the p.Arg374 amino acid residue in ADSL. Other variant(s) that disrupt this residue have been determined to be pathogenic (PMID: 12070256; Invitae). This suggests that this residue is clinically significant, and that variants that disrupt this residue are likely to be disease-causing. In summary, the available evidence is currently insufficient to determine the role of this variant in disease. Therefore, it has been classified as a Variant of Uncertain Significance.

GeneDx
Classification: Uncertain significance. Last evaluated: 2017-11-28. Review status: criteria provided, single submitter. Criteria: GeneDx Variant Classification (06012015). Collection method: clinical testing. Allele origin: germline. Affected: yes.
Comment: A variant of uncertain significance has been identified in the ADSL gene. The R374Q variant has not been published as a pathogenic variant, nor has it been reported as a benign variant to our knowledge. A different missense substitution at the same position (R374W) has been reported in an individual with seizures, intellectual disability, facial dysmorphism, and biochemical testing consistent with ADSL deficiency; this individual also had a second ADSL variant on the opposite allele (Holder-Espinasse et al., 2002). The R374Q variant is not observed at a significant frequency in large population cohorts (Lek et al., 2016; 1000 Genomes Consortium et al., 2015; Exome Variant Server). The R374Q variant is a semi-conservative amino acid substitution, which may impact secondary protein structure as these residues differ in some properties. However, this substitution occurs at a position that is not conserved. In silico analysis is inconsistent in its predictions as to whether or not the variant is damaging to the protein structure/function. Therefore, based on the currently available information, it is unclear whether this variant is a pathogenic variant or a rare benign variant.

Literature cited by the submitters: PubMed 12070256 (cited by Labcorp Genetics (formerly Invitae), Labcorp).